The following is an entry in ClinVar:

NM_014672.4(PRORP):c.1504dup (p.Arg502fs)

Genes: PRORP (protein only RNase P catalytic subunit; plus strand), PRORP-PSMA6 (PRORP-PSMA6 readthrough; plus strand). Cytogenetic location: 14q13.2.
Variant type: Duplication.
Coding change: c.1504dup on transcript NM_014672.4 (MANE Select); coding-DNA position 1504, one base duplicated (C; older notation c.1504dupC).
Protein change: p.Arg502fs; shifts the reading frame from arginine 502.
Molecular consequence: frameshift variant. On other transcripts: non-coding transcript variant (4).
Genome position (GRCh38, 1-based): chr14:35,270,480, C duplicated. VCF-style (leftmost placement, unchanged base first): chr14-35270479-G-GC. GRCh37 (hg19) VCF-style: chr14-35739685-G-GC.
Other names: c.1456dup, p.Arg486fs (NM_001256678.2); c.1219dup, p.Arg407fs (NM_001256679.2); c.388dup, p.Arg130fs (NM_001256680.2, NM_001256681.2); c.1504dup, p.Arg502fs (NM_001414503.1); c.1504dupC (NM_014672.4); short protein forms R130fs, R407fs, R486fs, R502fs.
Identifiers: ClinVar variation 4849383 (VCV004849383.1).

ClinVar aggregate classification (germline): Likely pathogenic (1 of 4 stars; one submission).

Conditions:
Combined oxidative phosphorylation deficiency 54 (COXPD54). Identifiers: MedGen C5676912, MONDO:0030543, OMIM 619737.

Submission:

First Genomix Gene Laboratory, Genetic Diagnostics Department
Classification: Likely pathogenic for Combined oxidative phosphorylation deficiency 54. Last evaluated: 2025-06-16. Review status: criteria provided, single submitter. Criteria: ACMG Guidelines, 2015. Collection method: clinical testing. Allele origin: germline. Inheritance: Autosomal recessive inheritance. Affected: no. Observed: 1 variant allele.